The following is an entry in ClinVar:

NM_001035.3(RYR2):c.3154G>A (p.Glu1052Lys)

Gene: RYR2 (ryanodine receptor 2; plus strand). Cytogenetic location: 1q43.
Variant type: single nucleotide variant.
Coding change: c.3154G>A on transcript NM_001035.3 (MANE Select); coding-DNA position 3154, G replaced by A.
Protein change: p.Glu1052Lys; replaces glutamic acid 1052 with lysine.
Molecular consequence: missense variant.
Genome position (GRCh38, 1-based): chr1:237,550,631, G>A. VCF-style: chr1-237550631-G-A. GRCh37 (hg19) VCF-style: chr1-237713931-G-A.
Other names: c.3154G>A, p.Glu1052Lys (LRG_402t1); short protein forms E1052K.
Identifiers: ClinVar variation 576232 (VCV000576232.17), dbSNP rs1271333166, ClinGen allele CA345394980.

ClinVar aggregate classification (germline): Uncertain significance. Review status: criteria provided, multiple submitters, no conflicts (2 of 4 stars). 4 submissions from 4 submitters: Uncertain significance (4). Last evaluated 2025-06-06.

Conditions:
Catecholaminergic polymorphic ventricular tachycardia 1. Also called: VENTRICULAR TACHYCARDIA, CATECHOLAMINERGIC POLYMORPHIC, 1, WITH OR WITHOUT ATRIAL DYSFUNCTION AND/OR DILATED CARDIOMYOPATHY; VENTRICULAR TACHYCARDIA, STRESS-INDUCED POLYMORPHIC 1; RYR2-Related Catecholaminergic Polymorphic Ventricular Tachycardia. Identifiers: Orphanet 3286, MedGen C1631597, MONDO:0011484, OMIM 604772.
Cardiovascular phenotype. Identifiers: MedGen CN230736.

Allele frequency attached by ClinVar (database versions not stated): gnomAD 0.00001; TOPMed 0.00001.
gnomAD v4.1: 3 of 1,587,642 alleles (0.00019%); highest among the groups gnomAD compares: African/African-American, 0.0013%; no homozygotes.

Submissions (4):

GeneDx
Classification: Uncertain significance. Last evaluated: 2025-06-06. Review status: criteria provided, single submitter. Criteria: GeneDx Variant Classification Process June 2021. Collection method: clinical testing. Allele origin: germline. Affected: yes.
Comment: Not observed at significant frequency in large population cohorts (gnomAD); In silico analysis supports that this missense variant has a deleterious effect on protein structure/function; Has not been previously published as pathogenic or benign to our knowledge; Not located in one of the three hot-spot regions of the RYR2 gene, where the majority of pathogenic missense variants occur (PMID: 19926015); This variant is associated with the following publications: (PMID: 19926015)

Ambry Genetics
Classification: Uncertain significance for Cardiovascular phenotype. Last evaluated: 2024-02-07. Review status: criteria provided, single submitter. Criteria: Ambry Variant Classification Scheme 2023. Collection method: clinical testing. Allele origin: germline.
Comment: The p.E1052K variant (also known as c.3154G>A), located in coding exon 27 of the RYR2 gene, results from a G to A substitution at nucleotide position 3154. The glutamic acid at codon 1052 is replaced by lysine, an amino acid with similar properties. This amino acid position is highly conserved in available vertebrate species. In addition, this alteration is predicted to be deleterious by in silico analysis. Based on the available evidence, the clinical significance of this alteration remains unclear.

Labcorp Genetics (formerly Invitae), Labcorp
Classification: Uncertain significance for Catecholaminergic polymorphic ventricular tachycardia 1. Last evaluated: 2022-03-09. Review status: criteria provided, single submitter. Criteria: Invitae Variant Classification Sherloc (09022015). Collection method: clinical testing. Allele origin: germline.
Comment: This variant has not been reported in the literature in individuals affected with RYR2-related conditions. ClinVar contains an entry for this variant (Variation ID: 576232). Advanced modeling of protein sequence and biophysical properties (such as structural, functional, and spatial information, amino acid conservation, physicochemical variation, residue mobility, and thermodynamic stability) performed at Invitae indicates that this missense variant is expected to disrupt RYR2 protein function. In summary, the available evidence is currently insufficient to determine the role of this variant in disease. Therefore, it has been classified as a Variant of Uncertain Significance. This variant is not present in population databases (gnomAD no frequency). This sequence change replaces glutamic acid, which is acidic and polar, with lysine, which is basic and polar, at codon 1052 of the RYR2 protein (p.Glu1052Lys).

ARUP Laboratories, Molecular Genetics and Genomics, ARUP Laboratories
Classification: Uncertain significance. Last evaluated: 2018-04-11. Review status: criteria provided, single submitter. Criteria: ARUP Molecular Germline Variant Investigation Process. Collection method: clinical testing. Allele origin: germline.
Comment: The RYR2 c.3154G>A; p.Glu1052Lys variant, to our knowledge, is not reported in the medical literature, gene specific variation databases, nor has it been previously identified by our laboratory. This variant is absent from the general population databases (1000 Genomes Project, Exome Variant Server, Genome Aggregation Database), indicating it is not a common polymorphism. The glutamic acid at position 1052 is highly conserved, considering 10 species, and computational analyses of the effects of the p.Glu1052Lys variant on protein structure and function predict a deleterious effect (SIFT: damaging, PolyPhen-2: possibly damaging). Based on the available information, the clinical significance of the p.Glu1052Lys variant cannot be determined with certainty.